The following is an entry in ClinVar:

ClinVar aggregate classification (germline): Uncertain significance (1 of 4 stars; one submission).

Submission:

Greenwood Genetic Center Diagnostic Laboratories, Greenwood Genetic Center
Classification: Uncertain significance. Last evaluated: 2024-08-28. Review status: criteria provided, single submitter. Criteria: ACMG Guidelines, 2015. Collection method: clinical testing. Allele origin: germline. Affected: yes.
Comment: Gene of Uncertain Significance

NM_152524.6(SGO2):c.1207G>C (p.Asp403His)

Gene: SGO2 (shugoshin 2; plus strand). Cytogenetic location: 2q33.1.
Variant type: single nucleotide variant.
Coding change: c.1207G>C on transcript NM_152524.6 (MANE Select); coding-DNA position 1207, G replaced by C.
Protein change: p.Asp403His; replaces aspartic acid 403 with histidine.
Molecular consequence: missense variant.
Genome position (GRCh38, 1-based): chr2:200,571,553, G>C. VCF-style: chr2-200571553-G-C. GRCh37 (hg19) VCF-style: chr2-201436276-G-C.
Other names: c.1207G>C, p.Asp403His (NM_001160033.1, NM_001160046.1); short protein forms D403H.
Identifiers: ClinVar variation 3765612 (VCV003765612.1).